The following is an entry in ClinVar:

NM_000321.3(RB1):c.156A>G (p.Thr52=)

Gene: RB1 (RB transcriptional corepressor 1; plus strand). Cytogenetic location: 13q14.2.
Variant type: single nucleotide variant.
Coding change: c.156A>G on transcript NM_000321.3 (MANE Select); coding-DNA position 156, A replaced by G.
Protein change: p.Thr52=; no amino-acid change (threonine 52 retained).
Molecular consequence: synonymous variant.
Genome position (GRCh38, 1-based): chr13:48,307,298, A>G. VCF-style: chr13-48307298-A-G. GRCh37 (hg19) VCF-style: chr13-48881434-A-G.
Other names: c.156A>G, p.Thr52= (NM_001407165.1, NM_001407166.1, NM_001407167.1).
Identifiers: ClinVar variation 1775461 (VCV001775461.4), dbSNP rs1593414358, ClinGen allele CA483711700.

ClinVar aggregate classification (germline): Benign/Likely benign. Review status: criteria provided, multiple submitters, no conflicts (2 of 4 stars). 3 submissions from 3 submitters: Benign (1); Likely benign (2). Last evaluated 2026-06-23.

Conditions:
Hereditary cancer-predisposing syndrome. Also called: Neoplastic Syndromes, Hereditary; Tumor predisposition; Hereditary neoplastic syndrome; Hereditary Cancer Syndrome. Identifiers: Orphanet 140162, MedGen C0027672, MeSH D009386, MONDO:0015356.
Retinoblastoma (RB1). Also called: RETINOBLASTOMA, SOMATIC. Identifiers: Orphanet 790, MedGen C0035335, MeSH D012175, MONDO:0008380, OMIM 180200, HP:0009919. Disease mechanism: loss of function. Inheritance: Both sporadic and heritable forms are tested..

Submissions (3):

Myriad Genetics, Inc.
Classification: Benign for Retinoblastoma. Last evaluated: 2026-06-23. Review status: criteria provided, single submitter. Criteria: Myriad Autosomal Dominant, Autosomal Recessive and X-Linked Classification Criteria (2023). Collection method: clinical testing. Allele origin: unknown.
Comment: This variant is considered benign. This variant is a silent/synonymous amino acid change and it is not expected to impact splicing.

Labcorp Genetics (formerly Invitae), Labcorp
Classification: Likely benign for Retinoblastoma. Last evaluated: 2025-03-30. Review status: criteria provided, single submitter. Criteria: Invitae Variant Classification Sherloc (09022015). Collection method: clinical testing. Allele origin: germline.

Ambry Genetics
Classification: Likely benign for Hereditary cancer-predisposing syndrome. Last evaluated: 2021-07-20. Review status: criteria provided, single submitter. Criteria: Ambry Variant Classification Scheme 2023. Collection method: clinical testing. Allele origin: germline.